The following is an entry in ClinVar:

ClinVar aggregate classification (germline): Uncertain significance. Review status: criteria provided, multiple submitters, no conflicts (2 of 4 stars). 4 submissions from 4 submitters: Uncertain significance (3). 1 of the submissions does not count toward it. Last evaluated 2026-05-26.

Conditions:
TNXB-related disorder. Also called: TNXB-related condition.
Cardiovascular phenotype. Identifiers: MedGen CN230736.
Ehlers-Danlos syndrome due to tenascin-X deficiency (EDSCLL1). Also called: TNX DEFICIENCY; EDS DUE TO TNX DEFICIENCY; EHLERS-DANLOS SYNDROME, CLASSIC-LIKE; Ehlers-Danlos syndrome, classic-like, 1; TNXB-Related Classical-Like Ehlers-Danlos Syndrome. Identifiers: Orphanet 230839, MedGen C1848029, MONDO:0011670, OMIM 606408.

Allele frequency attached by ClinVar (database versions not stated): TOPMed 0.00001.
gnomAD v4.1: 47 of 1,607,768 alleles (0.0029%); highest among the groups gnomAD compares: South Asian, 0.017%; no homozygotes.

Submissions (4):

PreventionGenetics, part of Exact Sciences
Classification: Uncertain significance for TNXB-related condition. Last evaluated: 2026-05-26. Review status: criteria provided, single submitter. Criteria: ACMG Guidelines, 2015. Collection method: clinical testing. Allele origin: germline.
Comment: The TNXB c.4958G>A variant is predicted to result in the amino acid substitution p.Arg1653Gln. To our knowledge, this variant has not been reported in the literature. This variant is reported in 0.0033% of alleles in individuals of South Asian descent in gnomAD. At this time, the clinical significance of this variant is uncertain due to the absence of conclusive functional and genetic evidence.

Ambry Genetics
Classification: Uncertain significance for Cardiovascular phenotype. Last evaluated: 2024-08-20. Review status: criteria provided, single submitter. Criteria: Ambry Variant Classification Scheme 2023. Collection method: clinical testing. Allele origin: germline.

GeneDx
Classification: Uncertain significance. Last evaluated: 2022-12-09. Review status: criteria provided, single submitter. Criteria: GeneDx Variant Classification Process June 2021. Collection method: clinical testing. Allele origin: germline. Affected: yes.
Comment: Not observed at significant frequency in large population cohorts (gnomAD); In silico analysis supports that this missense variant has a deleterious effect on protein structure/function; Has not been previously published as pathogenic or benign to our knowledge

Zotz-Klimas Genetics Lab, MVZ Zotz Klimas
Classification: Uncertain significance for Ehlers-Danlos syndrome due to tenascin-X deficiency. Last evaluated: 2023-10-09. Review status: no assertion criteria provided. Collection method: clinical testing. Allele origin: germline. Affected: yes. Not counted in ClinVar's aggregate classification.

NM_001365276.2(TNXB):c.4958G>A (p.Arg1653Gln)

Gene: TNXB (tenascin XB; minus strand). Cytogenetic location: 6p21.33.
Variant type: single nucleotide variant.
Coding change: c.4958G>A on transcript NM_001365276.2 (MANE Select); coding-DNA position 4958, G replaced by A.
Protein change: p.Arg1653Gln; replaces arginine 1653 with glutamine.
Molecular consequence: missense variant.
Genome position (GRCh38, 1-based): chr6:32,072,022, C>T on the plus strand (G>A on the coding strand, the complement: TNXB is on the minus strand). VCF-style: chr6-32072022-C-T. GRCh37 (hg19) VCF-style: chr6-32039799-C-T.
Other names: c.4958G>A, p.Arg1653Gln (NM_019105.8); short protein forms R1653Q.
Identifiers: ClinVar variation 423634 (VCV000423634.8), dbSNP rs772454700, ClinGen allele CA3734844.